The following is an entry in ClinVar:

NM_014889.4(PITRM1):c.1854C>G (p.Phe618Leu)

Gene: PITRM1 (pitrilysin metallopeptidase 1; minus strand). Cytogenetic location: 10p15.2.
Variant type: single nucleotide variant.
Coding change: c.1854C>G on transcript NM_014889.4 (MANE Select); coding-DNA position 1854, C replaced by G.
Protein change: p.Phe618Leu; replaces phenylalanine 618 with leucine.
Molecular consequence: missense variant. On other transcripts: non-coding transcript variant (4).
Genome position (GRCh38, 1-based): chr10:3,149,638, G>C on the plus strand (C>G on the coding strand, the complement: PITRM1 is on the minus strand). VCF-style: chr10-3149638-G-C. GRCh37 (hg19) VCF-style: chr10-3191830-G-C.
Other names: c.1854C>G, p.Phe618Leu (NM_001242307.2, NM_001347725.2); c.1758C>G, p.Phe586Leu (NM_001242309.1); c.1239C>G, p.Phe413Leu (NM_001347726.2, NM_001347727.2); c.549C>G, p.Phe183Leu (NM_001347728.2); c.1830C>G, p.Phe610Leu (NM_001347729.1, NM_001347730.1); c.1854C>G (NM_001242307.1); short protein forms F183L, F413L, F586L, F610L, F618L.
Identifiers: ClinVar variation 1613440 (VCV001613440.10), dbSNP rs41305673, ClinGen allele CA5387662.
Genomic context (GRCh38, chr10:3,149,638, plus strand): 5'-GCAGACATTAATAAGACACACAAGGGTATGTTGCGACTCGTACTTGGTGAGGACGCTGCA[G>C]AAGAGGGGCACATAGGGCCTCAGCTCCTCGGGGAGTGTGTTCAGGCTGGAGAAGGCCCGG-3'
Protein context (NP_055704.2, residues 608-628): PEELRPYVPL[Phe618Leu]CSVLTKLGCG

ClinVar aggregate classification (germline): Benign. Review status: criteria provided, multiple submitters, no conflicts (2 of 4 stars). 3 submissions from 3 submitters: Benign (2). 1 of the submissions does not count toward it. Last evaluated 2026-01-27.

Conditions:
PITRM1-related disorder. Also called: PITRM1-related condition.

Allele frequency attached by ClinVar (database versions not stated): 1000 Genomes Project 0.02077; TOPMed 0.03059; ESP Exome Variant Server 0.03633; 1000 Genomes Project 30x 0.01968.
gnomAD v4.1: 67,549 of 1,579,886 alleles (4.3%); highest among the groups gnomAD compares: Middle Eastern, 5.8%; 1,635 homozygotes.

Submissions (3):

Labcorp Genetics (formerly Invitae), Labcorp
Classification: Benign. Last evaluated: 2026-01-27. Review status: criteria provided, single submitter. Criteria: Invitae Variant Classification Sherloc (09022015). Collection method: clinical testing. Allele origin: germline.

Breakthrough Genomics
Classification: Benign. Review status: criteria provided, single submitter. Criteria: ACMG Guidelines, 2015. Collection method: not provided. Allele origin: germline. Inheritance: Autosomal recessive inheritance. Affected: yes.

PreventionGenetics, part of Exact Sciences
Classification: Benign for PITRM1-related condition. Last evaluated: 2019-12-02. Review status: no assertion criteria provided. Collection method: clinical testing. Allele origin: germline. Not counted in ClinVar's aggregate classification.
Comment: This variant is classified as benign based on ACMG/AMP sequence variant interpretation guidelines (Richards et al. 2015 PMID: 25741868, with internal and published modifications).